The following is an entry in ClinVar:

NM_005751.5(AKAP9):c.6098A>G (p.Gln2033Arg)

Gene: AKAP9 (A-kinase anchoring protein 9; plus strand). Cytogenetic location: 7q21.2.
Variant type: single nucleotide variant.
Coding change: c.6098A>G on transcript NM_005751.5 (MANE Select); coding-DNA position 6098, A replaced by G.
Protein change: p.Gln2033Arg; replaces glutamine 2033 with arginine.
Molecular consequence: missense variant.
Genome position (GRCh38, 1-based): chr7:92,065,351, A>G. VCF-style: chr7-92065351-A-G. GRCh37 (hg19) VCF-style: chr7-91694665-A-G.
Other names: c.743A>G, p.Gln248Arg (NM_001379277.1); c.6098A>G, p.Gln2033Arg (NM_147185.3); short protein forms Q248R, Q2033R.
Identifiers: ClinVar variation 1005739 (VCV001005739.12), dbSNP rs1810599049, ClinGen allele CA368132579.

ClinVar aggregate classification (germline): Uncertain significance. Review status: criteria provided, multiple submitters, no conflicts (2 of 4 stars). 3 submissions from 3 submitters: Uncertain significance (3). Last evaluated 2025-02-20.

Conditions:
Cardiovascular phenotype. Identifiers: MedGen CN230736.
Long QT syndrome 11 (LQT11). Identifiers: Orphanet 101016, Orphanet 768, MedGen C2678483, MONDO:0012738, OMIM 611820.
Long QT syndrome (LQTS). Identifiers: MedGen C0023976, MeSH D008133, MONDO:0002442. Disease mechanism: loss of function. Inheritance: Various modes of inheritance.

Allele frequency attached by ClinVar (database versions not stated): gnomAD exomes 0.00001.
gnomAD v4.1: 13 of 1,613,242 alleles (0.00081%); highest among the groups gnomAD compares: Non-Finnish European, 0.0011%; no homozygotes.

Submissions (3):

Ambry Genetics
Classification: Uncertain significance for Cardiovascular phenotype. Last evaluated: 2025-02-20. Review status: criteria provided, single submitter. Criteria: Ambry Variant Classification Scheme 2023. Collection method: clinical testing. Allele origin: germline.

Labcorp Genetics (formerly Invitae), Labcorp
Classification: Uncertain significance for Long QT syndrome. Last evaluated: 2022-08-16. Review status: criteria provided, single submitter. Criteria: Invitae Variant Classification Sherloc (09022015). Collection method: clinical testing. Allele origin: germline.
Comment: This sequence change replaces glutamine, which is neutral and polar, with arginine, which is basic and polar, at codon 2033 of the AKAP9 protein (p.Gln2033Arg). This variant is not present in population databases (gnomAD no frequency). This variant has not been reported in the literature in individuals affected with AKAP9-related conditions. ClinVar contains an entry for this variant (Variation ID: 1005739). Algorithms developed to predict the effect of missense changes on protein structure and function are either unavailable or do not agree on the potential impact of this missense change (SIFT: "Deleterious"; PolyPhen-2: "Probably Damaging"; Align-GVGD: "Class C0"). In summary, the available evidence is currently insufficient to determine the role of this variant in disease. Therefore, it has been classified as a Variant of Uncertain Significance.

Fulgent Genetics
Classification: Uncertain significance for Long QT syndrome 11. Last evaluated: 2021-09-07. Review status: criteria provided, single submitter. Criteria: ACMG Guidelines, 2015. Collection method: clinical testing. Allele origin: unknown.